The following is an entry in ClinVar:

ClinVar aggregate classification (germline): Uncertain significance (1 of 4 stars; one submission).

gnomAD v4.1: 1 of 1,614,020 alleles (0.000062%); highest among the groups gnomAD compares: Non-Finnish European, 0.000085%; no homozygotes.

Submission:

Dasa
Classification: Uncertain significance. Last evaluated: 2025-07-20. Review status: criteria provided, single submitter. Criteria: DASA Assertion Criteria. Collection method: clinical testing. Allele origin: germline.
Comment: NM_014363.6(SACS):c.2032C>T (p.Pro678Ser) is a missense variant that results in the substitution of proline with serine. This variant is rare in population databases. Computational prediction algorithms are consistent with a benign effect. The currently available literature and clinical evidence are not sufficient to establish a definitive association between this variant and the reported condition. Therefore, this variant is classified as a variant of uncertain significance.

NM_014363.6(SACS):c.2032C>T (p.Pro678Ser)

Gene: SACS (sacsin molecular chaperone; minus strand). Cytogenetic location: 13q12.12.
Variant type: single nucleotide variant.
Coding change: c.2032C>T on transcript NM_014363.6 (MANE Select); coding-DNA position 2032, C replaced by T.
Protein change: p.Pro678Ser; replaces proline 678 with serine.
Molecular consequence: missense variant.
Genome position (GRCh38, 1-based): chr13:23,354,580, G>A on the plus strand (C>T on the coding strand, the complement: SACS is on the minus strand). VCF-style: chr13-23354580-G-A. GRCh37 (hg19) VCF-style: chr13-23928719-G-A.
Other names: c.1591C>T, p.Pro531Ser (NM_001278055.2); c.2032C>T, p.Pro678Ser (NM_001437336.1); short protein forms P531S, P678S.
Identifiers: ClinVar variation 4882917 (VCV004882917.2).
Genomic context (GRCh38, chr13:23,354,580, plus strand): 5'-TTGGATATTCTGCTGAGGTAATATAAATGACATCTTGGTCTGATACAGATGAGGAGAAGG[G>A]GACAAAATTGCCATTTTGTAAAGGGAGCAGCTCCAGCCCAAGCAGCTCACTGTAGGCTTG-3'
Protein context (NP_055178.3, residues 668-688): LLPLQNGNFV[Pro678Ser]FSSSVSDQDV